The following is an entry in ClinVar:

NM_001130823.3(DNMT1):c.1181C>T (p.Pro394Leu)

Gene: DNMT1 (DNA methyltransferase 1; minus strand). Cytogenetic location: 19p13.2.
Variant type: single nucleotide variant.
Coding change: c.1181C>T on transcript NM_001130823.3 (MANE Select); coding-DNA position 1181, C replaced by T.
Protein change: p.Pro394Leu; replaces proline 394 with leucine.
Molecular consequence: missense variant.
Genome position (GRCh38, 1-based): chr19:10,159,757, G>A on the plus strand (C>T on the coding strand, the complement: DNMT1 is on the minus strand). VCF-style: chr19-10159757-G-A. GRCh37 (hg19) VCF-style: chr19-10270433-G-A.
Other names: c.1133C>T, p.Pro378Leu (NM_001318730.2, NM_001379.4); c.818C>T, p.Pro273Leu (NM_001318731.2); short protein forms P394L, P273L, P378L.
Identifiers: ClinVar variation 2982891 (VCV002982891.3), dbSNP rs2038527848, ClinGen allele CA403939261.

ClinVar aggregate classification (germline): Uncertain significance (1 of 4 stars; one submission).

Conditions:
Hereditary sensory neuropathy-deafness-dementia syndrome. Also called: Hereditary sensory neuropathy type IE; HSN IE; NEUROPATHY, HEREDITARY SENSORY, WITH HEARING LOSS AND DEMENTIA; Hereditary Sensory and Autonomic Neuropathy Type 1E (HSAN1E). Identifiers: Orphanet 456318, MedGen C3279885, MONDO:0013584, OMIM 614116.

Allele frequency attached by ClinVar (database versions not stated): TOPMed below 0.00001.

Submission:

Labcorp Genetics (formerly Invitae), Labcorp
Classification: Uncertain significance for Hereditary sensory neuropathy-deafness-dementia syndrome. Last evaluated: 2023-03-26. Review status: criteria provided, single submitter. Criteria: Invitae Variant Classification Sherloc (09022015). Collection method: clinical testing. Allele origin: germline.
Comment: This variant is not present in population databases (gnomAD no frequency). This sequence change replaces proline, which is neutral and non-polar, with leucine, which is neutral and non-polar, at codon 394 of the DNMT1 protein (p.Pro394Leu). This variant has not been reported in the literature in individuals affected with DNMT1-related conditions. In summary, the available evidence is currently insufficient to determine the role of this variant in disease. Therefore, it has been classified as a Variant of Uncertain Significance. Advanced modeling of protein sequence and biophysical properties (such as structural, functional, and spatial information, amino acid conservation, physicochemical variation, residue mobility, and thermodynamic stability) performed at Invitae indicates that this missense variant is not expected to disrupt DNMT1 protein function.